The following continues an entry in ClinVar:

NM_000059.4(BRCA2):c.2971A>G (p.Asn991Asp)

Gene: BRCA2. ClinVar aggregate classification (germline): Benign. Benign (1).

Submissions 20 to 40 of 40:

Eurofins Ntd Llc (ga)
Classification: Benign. Last evaluated: 2016-05-09. Review status: criteria provided, single submitter. Criteria: EGL Classification Definitions 2015. Collection method: clinical testing. Allele origin: germline. Observed: 53 variant alleles, 52 heterozygotes, 1 homozygote. Not counted in ClinVar's aggregate classification.

Clinical Genetics DNA and cytogenetics Diagnostics Lab, Erasmus MC, Erasmus Medical Center
Classification: Benign for Breast-ovarian cancer, familial, susceptibility to, 2. Last evaluated: 2015-09-21. Review status: criteria provided, single submitter. Criteria: ACGS Guidelines, 2013. Collection method: clinical testing. Allele origin: germline. Affected: yes. Study: VKGL Data-share Consensus. Not counted in ClinVar's aggregate classification.

Color Diagnostics, LLC DBA Color Health
Classification: Benign for Hereditary cancer-predisposing syndrome. Last evaluated: 2015-03-09. Review status: criteria provided, single submitter. Criteria: ACMG Guidelines, 2015. Collection method: clinical testing. Allele origin: germline. Not counted in ClinVar's aggregate classification.

Ambry Genetics
Classification: Benign for Hereditary cancer-predisposing syndrome. Last evaluated: 2014-11-19. Review status: criteria provided, single submitter. Criteria: Ambry Variant Classification Scheme 2023. Collection method: clinical testing. Allele origin: germline. Not counted in ClinVar's aggregate classification.

Molecular Genetics Laboratory, University of Michigan
Classification: Benign for Breast-ovarian cancer, familial, susceptibility to, 2. Last evaluated: 2014-11-03. Review status: criteria provided, single submitter. Criteria: ACMG Guidelines, 2015. Collection method: clinical testing. Allele origin: germline. Affected: yes. Not counted in ClinVar's aggregate classification.

Genome Diagnostics Laboratory, University Medical Center Utrecht
Classification: Benign for Breast-ovarian cancer, familial, susceptibility to, 2. Last evaluated: 2014-10-09. Review status: criteria provided, single submitter. Criteria: ACGS Guidelines, 2013. Collection method: clinical testing. Allele origin: germline. Affected: yes. Study: VKGL Data-share Consensus. Not counted in ClinVar's aggregate classification.

Women's Health and Genetics/Laboratory Corporation of America, LabCorp
Classification: Benign for Hereditary breast ovarian cancer syndrome. Last evaluated: 2014-01-13. Review status: criteria provided, single submitter. Criteria: LabCorp Variant Classification Summary - May 2015. Collection method: clinical testing. Allele origin: germline. Not counted in ClinVar's aggregate classification.

GeneDx
Classification: Benign. Last evaluated: 2013-09-27. Review status: criteria provided, single submitter. Criteria: GeneDx Variant Classification (06012015). Collection method: clinical testing. Allele origin: germline. Affected: yes. Not counted in ClinVar's aggregate classification.
Comment: This variant is considered likely benign or benign based on one or more of the following criteria: it is a conservative change, it occurs at a poorly conserved position in the protein, it is predicted to be benign by multiple in silico algorithms, and/or has population frequency not consistent with disease.

Breakthrough Genomics
Classification: Benign. Review status: criteria provided, single submitter. Criteria: ACMG Guidelines, 2015. Collection method: not provided. Allele origin: germline. Inheritance: Autosomal recessive inheritance. Affected: yes. Not counted in ClinVar's aggregate classification.

GreenArray Genomic Research & Solutions of Accurate Diagnostic Private Limited
Classification: Benign for Breast-ovarian cancer, familial, susceptibility to, 2. Review status: criteria provided, single submitter. Criteria: ACMG Guidelines, 2015. Collection method: clinical testing. Allele origin: germline. Affected: no. Not counted in ClinVar's aggregate classification.

PreventionGenetics, part of Exact Sciences
Classification: Benign. Review status: criteria provided, single submitter. Criteria: ACMG Guidelines, 2015. Collection method: clinical testing. Allele origin: germline. Not counted in ClinVar's aggregate classification.

Mayo Clinic Laboratories, Mayo Clinic
Classification: Benign. Last evaluated: 2017-03-06. Review status: no assertion criteria provided. Collection method: clinical testing. Allele origin: unknown. Not counted in ClinVar's aggregate classification.

Counsyl
Classification: Benign for Breast-ovarian cancer, familial 2. Last evaluated: 2014-01-02. Review status: no assertion criteria provided. Collection method: literature only. Allele origin: unknown. Inheritance: Autosomal dominant inheritance. Not counted in ClinVar's aggregate classification.
Comment: High frequency in a 1kG or ESP population: 3.7 %. This submission and the accompanying classification are no longer maintained by the submitter.

ITMI
No classification provided. Condition: AllHighlyPenetrant. Last evaluated: 2013-09-19. Review status: no classification provided. Collection method: reference population. Allele origin: germline. Not counted in ClinVar's aggregate classification.
Comment: Please see associated publication for description of ethnicities

Biesecker Lab/Clinical Genomics Section, National Institutes of Health
Classification: Benign. Last evaluated: 2012-07-13. Review status: no assertion criteria provided. Collection method: research. Allele origin: germline. Affected: no. Observed: 51 variant alleles. Study: ClinSeq. Not counted in ClinVar's aggregate classification.
ClinVar note: Converted during submission from no known pathogenicity to Benign.

Sharing Clinical Reports Project (SCRP)
Classification: Benign for Breast-ovarian cancer, familial 2. Last evaluated: 2011-03-15. Review status: no assertion criteria provided. Collection method: clinical testing. Allele origin: germline. Not counted in ClinVar's aggregate classification.

Breast Cancer Information Core (BIC) (BRCA2)
No classification provided. Condition: Breast-ovarian cancer, familial 2. Review status: no classification provided. Collection method: clinical testing. Allele origin: germline. Affected: yes. Observed: 40 variant alleles. Not counted in ClinVar's aggregate classification.

Clinical Genetics Laboratory, Department of Pathology, Netherlands Cancer Institute
Classification: Benign. Review status: no assertion criteria provided. Collection method: clinical testing. Allele origin: germline. Affected: yes. Study: VKGL Data-share Consensus. Not counted in ClinVar's aggregate classification.

Department of Pathology and Laboratory Medicine, Sinai Health System
Classification: Benign. Review status: no assertion criteria provided. Collection method: clinical testing. Allele origin: unknown. Affected: yes. Study: The Canadian Open Genetics Repository (COGR). Not counted in ClinVar's aggregate classification.

Diagnostic Laboratory, Department of Genetics, University Medical Center Groningen
Classification: Benign for Breast-ovarian cancer, familial, susceptibility to, 2. Review status: no assertion criteria provided. Collection method: clinical testing. Allele origin: germline. Affected: yes. Study: VKGL Data-share Consensus. Not counted in ClinVar's aggregate classification.

Joint Genome Diagnostic Labs from Nijmegen and Maastricht, Radboudumc and MUMC+
Classification: Benign. Review status: no assertion criteria provided. Collection method: clinical testing. Allele origin: germline. Affected: yes. Study: VKGL Data-share Consensus. Not counted in ClinVar's aggregate classification.

Literature cited by the submitters: DOI 10.3389/fgene.2022.834265 (cited by National Health Laboratory Service, Universitas Academic Hospital and University of the Free State); PubMed 36329109 (cited by Genetics Program, Instituto Nacional de Cancer); PubMed 18607349 (cited by Women's Health and Genetics/Laboratory Corporation of America, LabCorp); PubMed 22684231 (cited by Women's Health and Genetics/Laboratory Corporation of America, LabCorp); PubMed 9971877 (cited by Women's Health and Genetics/Laboratory Corporation of America, LabCorp); PubMed 21232165 (cited by Women's Health and Genetics/Laboratory Corporation of America, LabCorp); PubMed 24728327 (cited by ITMI).